The following is an entry in ClinVar:

ClinVar aggregate classification (germline): Likely benign. Review status: criteria provided, multiple submitters, no conflicts (2 of 4 stars). 2 submissions from 2 submitters: Likely benign (2). Last evaluated 2024-05-30.

Conditions:
Cardiovascular phenotype. Identifiers: MedGen CN230736.
Arrhythmogenic cardiomyopathy with wooly hair and keratoderma. Also called: PALMOPLANTAR KERATODERMA WITH LEFT VENTRICULAR CARDIOMYOPATHY AND WOOLLY HAIR; Carvajal syndrome; Dilated cardiomyopathy with woolly hair and keratoderma; Arrhythmogenic cardiomyopathy with woolly hair and keratoderma. Identifiers: Orphanet 65282, MedGen C1854063, MONDO:0011581, OMIM 605676.

Allele frequency attached by ClinVar (database versions not stated): TOPMed below 0.00001; gnomAD exomes 0.00001.

Submissions (2):

All of Us Research Program, National Institutes of Health
Classification: Likely benign for Arrhythmogenic cardiomyopathy with wooly hair and keratoderma. Last evaluated: 2024-05-30. Review status: criteria provided, single submitter. Criteria: ACMG Guidelines, 2015. Collection method: clinical testing. Allele origin: germline. Inheritance: Autosomal dominant inheritance. Observed: 1 variant allele, 1 heterozygote.
Comment: This study involves interpretation of variants in research participants for the purpose of population health screening. Participant phenotype was not available at the time of variant classification. Additional details can be found in publication PMID: 35346344, PMCID: PMC8962531

Ambry Genetics
Classification: Likely benign for Cardiovascular phenotype. Last evaluated: 2019-01-26. Review status: criteria provided, single submitter. Criteria: Ambry Variant Classification Scheme 2023. Collection method: clinical testing. Allele origin: germline.

NM_004415.4(DSP):c.657C>T (p.Asn219=)

Gene: DSP (desmoplakin; plus strand). Cytogenetic location: 6p24.3.
Variant type: single nucleotide variant.
Coding change: c.657C>T on transcript NM_004415.4 (MANE Select); coding-DNA position 657, C replaced by T.
Protein change: p.Asn219=; no amino-acid change (asparagine 219 retained).
Molecular consequence: synonymous variant.
Genome position (GRCh38, 1-based): chr6:7,562,711, C>T. VCF-style: chr6-7562711-C-T. GRCh37 (hg19) VCF-style: chr6-7562944-C-T.
Other names: c.657C>T, p.Asn219= (NM_001008844.3, NM_001319034.2, NM_001406591.1).
Identifiers: ClinVar variation 1754292 (VCV001754292.3), dbSNP rs1291699719, ClinGen allele CA448516297.